The following is an entry in ClinVar:

NM_000219.6(KCNE1):c.309C>G (p.Tyr103Ter)

Gene: KCNE1 (potassium voltage-gated channel subfamily E regulatory subunit 1; minus strand). Cytogenetic location: 21q22.12.
Variant type: single nucleotide variant.
Coding change: c.309C>G on transcript NM_000219.6 (MANE Select); coding-DNA position 309, C replaced by G.
Protein change: p.Tyr103Ter; replaces tyrosine 103 with a stop codon.
Molecular consequence: nonsense.
Genome position (GRCh38, 1-based): chr21:34,449,326, G>C on the plus strand (C>G on the coding strand, the complement: KCNE1 is on the minus strand). VCF-style: chr21-34449326-G-C. GRCh37 (hg19) VCF-style: chr21-35821624-G-C.
Other names: c.309C>G, p.Tyr103Ter (NM_001127668.4, NM_001127669.4, NM_001127670.4 and 4 more transcripts); short protein forms Y103*.
Identifiers: ClinVar variation 3374600 (VCV003374600.2).

Conditions:
Long QT syndrome 5 (LQT5). Identifiers: Orphanet 101016, Orphanet 768, MedGen C1867904, MONDO:0013372, OMIM 613695.

Submission:

Roden Lab, Vanderbilt University Medical Center
No classification provided (evidence only). Condition: Long QT syndrome 5. Review status: no classification provided. Collection method: in vitro. Allele origin: not applicable. Functional consequence: Effect on ion channel function.
ClinVar note: "not provided" was previously submitted as the classification for the variant. However, the classification appeared to be based only on an observation of functional data so it was converted to no classification on 2025-07-30.